The following is an entry in ClinVar:

NM_014874.4(MFN2):c.475A>C (p.Thr159Pro)

Gene: MFN2 (mitofusin 2; plus strand). Cytogenetic location: 1p36.22.
Variant type: single nucleotide variant.
Coding change: c.475A>C on transcript NM_014874.4 (MANE Select); coding-DNA position 475, A replaced by C.
Protein change: p.Thr159Pro; replaces threonine 159 with proline.
Molecular consequence: missense variant.
Genome position (GRCh38, 1-based): chr1:11,997,297, A>C. VCF-style: chr1-11997297-A-C. GRCh37 (hg19) VCF-style: chr1-12057354-A-C.
Other names: c.475A>C, p.Thr159Pro (NM_001127660.2); short protein forms T159P.
Identifiers: ClinVar variation 2091108 (VCV002091108.4), dbSNP rs2523020754, ClinGen allele CA338436171.

ClinVar aggregate classification (germline): Uncertain significance (1 of 4 stars; one submission).

Conditions:
Charcot-Marie-Tooth disease type 2. Also called: Charcot-Marie-Tooth type 2. Identifiers: Orphanet 64746, MedGen C0270914, MONDO:0018993.

Submission:

Labcorp Genetics (formerly Invitae), Labcorp
Classification: Uncertain significance for Charcot-Marie-Tooth disease type 2. Last evaluated: 2022-03-29. Review status: criteria provided, single submitter. Criteria: Invitae Variant Classification Sherloc (09022015). Collection method: clinical testing. Allele origin: germline.
Comment: This sequence change replaces threonine, which is neutral and polar, with proline, which is neutral and non-polar, at codon 159 of the MFN2 protein (p.Thr159Pro). This variant is not present in population databases (gnomAD no frequency). This missense change has been observed in individual(s) with clinical features of MFN2-related conditions (Invitae). Algorithms developed to predict the effect of missense changes on protein structure and function are either unavailable or do not agree on the potential impact of this missense change (SIFT: "Tolerated"; PolyPhen-2: "Probably Damaging"; Align-GVGD: "Class C0"). Algorithms developed to predict the effect of sequence changes on RNA splicing suggest that this variant may disrupt the consensus splice site. In summary, the available evidence is currently insufficient to determine the role of this variant in disease. Therefore, it has been classified as a Variant of Uncertain Significance.